The following is an entry in ClinVar:

NM_001134363.3(RBM20):c.1622C>T (p.Pro541Leu)

Gene: RBM20 (RNA binding motif protein 20; plus strand). Cytogenetic location: 10q25.2.
Variant type: single nucleotide variant.
Coding change: c.1622C>T on transcript NM_001134363.3 (MANE Select); coding-DNA position 1622, C replaced by T.
Protein change: p.Pro541Leu; replaces proline 541 with leucine.
Molecular consequence: missense variant.
Genome position (GRCh38, 1-based): chr10:110,797,602, C>T. VCF-style: chr10-110797602-C-T. GRCh37 (hg19) VCF-style: chr10-112557360-C-T.
Other names: short protein forms P541L.
Identifiers: ClinVar variation 3673180 (VCV003673180.2).
Genomic context (GRCh38, chr10:110,797,602, plus strand): 5'-ACATCTGCAATCTCCCTGAAGGAAGCTGCACTGAGAATGACGTCATTAACCTGGGGCTGC[C>T]CTTTGGAAAGGTCACTAATTACATCCTCATGAAGTCGACTAATCAGGTAGGTCTGGGTAC-3'
Protein context (NP_001127835.2, residues 531-551): TENDVINLGL[Pro541Leu]FGKVTNYILM

ClinVar aggregate classification (germline): Uncertain significance (1 of 4 stars; one submission).

Conditions:
Dilated cardiomyopathy 1DD (CMD1DD). Identifiers: Orphanet 154, MedGen C2750995, MONDO:0013168, OMIM 613172.

gnomAD v4.1: 1 of 1,551,738 alleles (0.000064%); highest among the groups gnomAD compares: East Asian, 0.0024%; no homozygotes.

Submission:

Labcorp Genetics (formerly Invitae), Labcorp
Classification: Uncertain significance for Dilated cardiomyopathy 1DD. Last evaluated: 2024-06-08. Review status: criteria provided, single submitter. Criteria: Invitae Variant Classification Sherloc (09022015). Collection method: clinical testing. Allele origin: germline.
Comment: This sequence change replaces proline, which is neutral and non-polar, with leucine, which is neutral and non-polar, at codon 541 of the RBM20 protein (p.Pro541Leu). This variant is not present in population databases (gnomAD no frequency). This variant has not been reported in the literature in individuals affected with RBM20-related conditions. Advanced modeling of protein sequence and biophysical properties (such as structural, functional, and spatial information, amino acid conservation, physicochemical variation, residue mobility, and thermodynamic stability) has been performed at Invitae for this missense variant, however the output from this modeling did not meet the statistical confidence thresholds required to predict the impact of this variant on RBM20 protein function. In summary, the available evidence is currently insufficient to determine the role of this variant in disease. Therefore, it has been classified as a Variant of Uncertain Significance.